The following is an entry in ClinVar:

ClinVar aggregate classification (germline): Conflicting classifications of pathogenicity. Review status: criteria provided, conflicting classifications (1 of 4 stars). 4 submissions from 4 submitters: Uncertain significance (1); Likely benign (2). 1 of the submissions does not count toward it. Last evaluated 2026-01-20.

Conditions:
Glycogen storage disease, type VII (GSD7). Also called: GSD VII; MUSCLE PHOSPHOFRUCTOKINASE DEFICIENCY; PFKM DEFICIENCY; TARUI DISEASE. Identifiers: Orphanet 371, MedGen C0017926, MONDO:0009295, OMIM 232800.

Allele frequency attached by ClinVar (database versions not stated): TOPMed 0.00003.
gnomAD v4.1: 20 of 1,612,514 alleles (0.0012%); highest among the groups gnomAD compares: Admixed American, 0.012%; no homozygotes.

Submissions (4):

Labcorp Genetics (formerly Invitae), Labcorp
Classification: Likely benign for Glycogen storage disease, type VII. Last evaluated: 2026-01-20. Review status: criteria provided, single submitter. Criteria: Invitae Variant Classification Sherloc (09022015). Collection method: clinical testing. Allele origin: germline.

Mayo Clinic Laboratories, Mayo Clinic
Classification: Likely benign. Last evaluated: 2024-11-18. Review status: criteria provided, single submitter. Criteria: ACMG Guidelines, 2015. Collection method: clinical testing. Allele origin: germline. Observed: 1 variant allele.
Comment: BP4, BP7

ARUP Laboratories, Molecular Genetics and Genomics, ARUP Laboratories
Classification: Uncertain significance for Glycogen storage disease, type VII. Last evaluated: 2019-09-18. Review status: criteria provided, single submitter. Criteria: ARUP Molecular Germline Variant Investigation Process. Collection method: clinical testing. Allele origin: germline.

Natera, Inc.
Classification: Uncertain significance for Glycogen storage disease type VII. Last evaluated: 2020-02-26. Review status: no assertion criteria provided. Collection method: clinical testing. Allele origin: germline. Not counted in ClinVar's aggregate classification.

NM_000289.6(PFKM):c.1063-6C>A

Gene: PFKM (phosphofructokinase, muscle; plus strand). Cytogenetic location: 12q13.11.
Variant type: single nucleotide variant.
Coding change: c.1063-6C>A on transcript NM_000289.6 (MANE Select); 6 bases into the intron before coding-DNA position 1063, C replaced by A.
Molecular consequence: intron variant.
Genome position (GRCh38, 1-based): chr12:48,139,279, C>A. VCF-style: chr12-48139279-C-A. GRCh37 (hg19) VCF-style: chr12-48533062-C-A.
Other names: p.?; c.1087-6C>A (NM_001354741.2); c.1063-6C>A (NM_001354742.2, NM_001354743.2, NM_001354744.2 and 2 more transcripts); c.913-6C>A (NM_001354747.2, NM_001354748.2); c.1276-6C>A (NM_001166686.2, NM_001354737.1, NM_001354739.1 and 1 more transcripts); c.1372-6C>A (NM_001354736.1, NM_001354735.1); c.1207-6C>A (NM_001354740.1); c.976-6C>A (NM_001354745.2); and 2 more.
Identifiers: ClinVar variation 994071 (VCV000994071.16), dbSNP rs371033104, ClinGen allele CA6537205.